The following is an entry in ClinVar:

NM_133259.4(LRPPRC):c.2830G>T (p.Glu944Ter)

Gene: LRPPRC (leucine rich pentatricopeptide repeat containing; minus strand). Cytogenetic location: 2p21.
Variant type: single nucleotide variant.
Coding change: c.2830G>T on transcript NM_133259.4 (MANE Select); coding-DNA position 2830, G replaced by T.
Protein change: p.Glu944Ter; replaces glutamic acid 944 with a stop codon.
Molecular consequence: nonsense.
Genome position (GRCh38, 1-based): chr2:43,925,133, C>A on the plus strand (G>T on the coding strand, the complement: LRPPRC is on the minus strand). VCF-style: chr2-43925133-C-A. GRCh37 (hg19) VCF-style: chr2-44152272-C-A.
Other names: short protein forms E944*.
Identifiers: ClinVar variation 1460230 (VCV001460230.6), dbSNP rs1458580158, ClinGen allele CA346669874.

ClinVar aggregate classification (germline): Pathogenic (1 of 4 stars; one submission).

Submission:

Labcorp Genetics (formerly Invitae), Labcorp
Classification: Pathogenic. Last evaluated: 2021-03-10. Review status: criteria provided, single submitter. Criteria: Invitae Variant Classification Sherloc (09022015). Collection method: clinical testing. Allele origin: germline.
Comment: For these reasons, this variant has been classified as Pathogenic. This variant has not been reported in the literature in individuals with LRPPRC-related conditions. This variant is not present in population databases (ExAC no frequency). This sequence change creates a premature translational stop signal (p.Glu944*) in the LRPPRC gene. It is expected to result in an absent or disrupted protein product. Loss-of-function variants in LRPPRC are known to be pathogenic (PMID: 26510951).

Literature cited by the submitters: PubMed 26510951.